The following is an entry in ClinVar:

NM_000246.4(CIITA):c.2563del (p.Ala855fs)

Gene: CIITA (class II major histocompatibility complex transactivator; plus strand). Cytogenetic location: 16p13.13.
Variant type: Deletion.
Coding change: c.2563del on transcript NM_000246.4 (MANE Select); coding-DNA position 2563, one base deleted (G; older notation c.2563delG).
Protein change: p.Ala855fs; shifts the reading frame from alanine 855.
Molecular consequence: frameshift variant. On other transcripts: intron variant (1).
Genome position (GRCh38, 1-based): chr16:10,908,055, G deleted; the last of 2 consecutive G bases (chr16:10,908,054-10,908,055); deleting either gives the same sequence. VCF-style (leftmost placement, unchanged base first): chr16-10908053-CG-C. GRCh37 (hg19) VCF-style: chr16-11001910-CG-C.
Other names: c.2566del, p.Ala856fs (NM_001286402.1, NM_001379332.1); c.2419del, p.Ala807fs (NM_001379330.1); c.2416del, p.Ala806fs (NM_001379331.1); c.2563del, p.Ala855fs (NM_001379333.1); c.2494del, p.Ala832fs (NM_001379334.1); c.860-928del (NM_001286403.2); short protein forms A855fs, A806fs, A832fs, A807fs, A856fs.
Identifiers: ClinVar variation 2703344 (VCV002703344.3), dbSNP rs2544498925, ClinGen allele CA2697555653.

ClinVar aggregate classification (germline): Pathogenic (1 of 4 stars; one submission).

Conditions:
MHC class II deficiency. Also called: Bare lymphocyte syndrome 2; BLS, TYPE II. Identifiers: Orphanet 572, MedGen C5447452, MONDO:0008855.

Submission:

Labcorp Genetics (formerly Invitae), Labcorp
Classification: Pathogenic for MHC class II deficiency. Last evaluated: 2023-12-22. Review status: criteria provided, single submitter. Criteria: Invitae Variant Classification Sherloc (09022015). Collection method: clinical testing. Allele origin: germline.
Comment: This sequence change creates a premature translational stop signal (p.Ala855Argfs*35) in the CIITA gene. It is expected to result in an absent or disrupted protein product. Loss-of-function variants in CIITA are known to be pathogenic (PMID: 8402893, 9099848, 26271388). This variant is not present in population databases (gnomAD no frequency). This variant has not been reported in the literature in individuals affected with CIITA-related conditions. For these reasons, this variant has been classified as Pathogenic.

Literature cited by the submitters: PubMed 8402893; PubMed 9099848; PubMed 26271388.